The following is an entry in ClinVar:

ClinVar aggregate classification (germline): Uncertain significance (1 of 4 stars; one submission).

gnomAD v4.1: 6 of 1,606,110 alleles (0.00037%); highest among the groups gnomAD compares: Non-Finnish European, 0.00042%; no homozygotes.

Submission:

Labcorp Genetics (formerly Invitae), Labcorp
Classification: Uncertain significance. Last evaluated: 2022-08-31. Review status: criteria provided, single submitter. Criteria: Invitae Variant Classification Sherloc (09022015). Collection method: clinical testing. Allele origin: germline.
Comment: This sequence change replaces aspartic acid, which is acidic and polar, with glutamic acid, which is acidic and polar, at codon 224 of the TBCK protein (p.Asp224Glu). This variant is present in population databases (no rsID available, gnomAD 0.0009%). This variant has not been reported in the literature in individuals affected with TBCK-related conditions. Algorithms developed to predict the effect of missense changes on protein structure and function (SIFT, PolyPhen-2, Align-GVGD) all suggest that this variant is likely to be tolerated. In summary, the available evidence is currently insufficient to determine the role of this variant in disease. Therefore, it has been classified as a Variant of Uncertain Significance.

NM_001163435.3(TBCK):c.672C>A (p.Asp224Glu)

Gene: TBCK (TBC1 domain containing kinase; minus strand). Cytogenetic location: 4q24.
Variant type: single nucleotide variant.
Coding change: c.672C>A on transcript NM_001163435.3 (MANE Select); coding-DNA position 672, C replaced by A.
Protein change: p.Asp224Glu; replaces aspartic acid 224 with glutamic acid.
Molecular consequence: missense variant.
Genome position (GRCh38, 1-based): chr4:106,248,969, G>T on the plus strand (C>A on the coding strand, the complement: TBCK is on the minus strand). VCF-style: chr4-106248969-G-T. GRCh37 (hg19) VCF-style: chr4-107170126-G-T.
Other names: c.672C>A, p.Asp224Glu (NM_001163436.4); c.555C>A, p.Asp185Glu (NM_001163437.3); c.156C>A, p.Asp52Glu (NM_001290768.2); c.483C>A, p.Asp161Glu (NM_033115.5); short protein forms D224E, D161E, D185E, D52E.
Identifiers: ClinVar variation 2111404 (VCV002111404.1), dbSNP rs1438771366, ClinGen allele CA357825175.